The following is an entry in ClinVar:

ClinVar aggregate classification (germline): Uncertain significance (1 of 4 stars; one submission).

Submission:

Labcorp Genetics (formerly Invitae), Labcorp
Classification: Uncertain significance. Last evaluated: 2024-05-07. Review status: criteria provided, single submitter. Criteria: Invitae Variant Classification Sherloc (09022015). Collection method: clinical testing. Allele origin: germline.
Comment: This variant, c.2188_2190del, results in the deletion of 1 amino acid(s) of the COMP protein (p.Glu730del), but otherwise preserves the integrity of the reading frame. This variant is not present in population databases (gnomAD no frequency). This variant has not been reported in the literature in individuals affected with COMP-related conditions. Experimental studies and prediction algorithms are not available or were not evaluated, and the functional significance of this variant is currently unknown. In summary, the available evidence is currently insufficient to determine the role of this variant in disease. Therefore, it has been classified as a Variant of Uncertain Significance.

NM_000095.3(COMP):c.2188_2190del (p.Glu730del)

Gene: COMP (cartilage oligomeric matrix protein; minus strand). Cytogenetic location: 19p13.11.
Variant type: Deletion.
Coding change: c.2188_2190del on transcript NM_000095.3 (MANE Select); coding-DNA positions 2188 to 2190, 3 bases deleted (GAG; older notation c.2188_2190delGAG).
Protein change: p.Glu730del; deletes glutamic acid 730.
Genome position (GRCh38, 1-based): chr19:18,783,091-18,783,093, CTC deleted on the plus strand (GAG on the coding strand, the reverse complement: COMP is on the minus strand); deleting any 3 consecutive bases within chr19:18,783,091-18,783,095 gives the same sequence; the c. name uses the placement nearest the transcript's 3' end. VCF-style (leftmost placement, unchanged base first): chr19-18783090-TCTC-T. GRCh37 (hg19) VCF-style: chr19-18893900-TCTC-T.
Other names: short protein forms E730del.
Identifiers: ClinVar variation 3700709 (VCV003700709.2).